The following is an entry in ClinVar:

ClinVar aggregate classification (germline): Uncertain significance. Review status: criteria provided, multiple submitters, no conflicts (2 of 4 stars). 2 submissions from 2 submitters: Uncertain significance (2). Last evaluated 2025-08-17.

Conditions:
Inborn genetic diseases. Identifiers: MedGen C0950123, MeSH D030342.

Submissions (2):

Labcorp Genetics (formerly Invitae), Labcorp
Classification: Uncertain significance. Last evaluated: 2025-08-17. Review status: criteria provided, single submitter. Criteria: Invitae Variant Classification Sherloc (09022015). Collection method: clinical testing. Allele origin: germline.
Comment: This sequence change replaces threonine, which is neutral and polar, with asparagine, which is neutral and polar, at codon 403 of the MBD4 protein (p.Thr403Asn). This variant is not present in population databases (gnomAD no frequency). This variant has not been reported in the literature in individuals affected with MBD4-related conditions. ClinVar contains an entry for this variant (Variation ID: 3723705). An algorithm developed to predict the effect of missense changes on protein structure and function outputs the following: PolyPhen-2: "Benign". The asparagine amino acid residue is found in multiple mammalian species, which suggests that this missense change does not adversely affect protein function. In summary, the available evidence is currently insufficient to determine the role of this variant in disease. Therefore, it has been classified as a Variant of Uncertain Significance.

Ambry Genetics
Classification: Uncertain significance for Inborn genetic diseases. Last evaluated: 2025-05-18. Review status: criteria provided, single submitter. Criteria: Ambry Variant Classification Scheme 2023. Collection method: clinical testing. Allele origin: germline.
Comment: The p.T397N variant (also known as c.1190C>A), located in coding exon 4 of the MBD4 gene, results from a C to A substitution at nucleotide position 1190. The threonine at codon 397 is replaced by asparagine, an amino acid with similar properties. This amino acid position is conserved. In addition, this alteration is predicted to be tolerated by in silico analysis. Based on the available evidence, the clinical significance of this variant remains unclear.

NM_001276270.2(MBD4):c.1190C>A (p.Thr397Asn)

Gene: MBD4 (methyl-CpG binding domain 4, DNA glycosylase; minus strand). Cytogenetic location: 3q21.3.
Variant type: single nucleotide variant.
Coding change: c.1190C>A on transcript NM_001276270.2 (MANE Select); coding-DNA position 1190, C replaced by A.
Protein change: p.Thr397Asn; replaces threonine 397 with asparagine.
Molecular consequence: missense variant.
Genome position (GRCh38, 1-based): chr3:129,434,130, G>T on the plus strand (C>A on the coding strand, the complement: MBD4 is on the minus strand). VCF-style: chr3-129434130-G-T. GRCh37 (hg19) VCF-style: chr3-129152973-G-T.
Other names: c.1208C>A, p.Thr403Asn (NM_001276271.2, NM_001276272.2, NM_003925.3); c.254C>A, p.Thr85Asn (NM_001276273.2); short protein forms T397N, T85N, T403N.
Identifiers: ClinVar variation 3723705 (VCV003723705.3).